The following is an entry in ClinVar:

ClinVar aggregate classification (germline): Uncertain significance (1 of 4 stars; one submission).

Conditions:
Cardiovascular phenotype. Identifiers: MedGen CN230736.

Submission:

Ambry Genetics
Classification: Uncertain significance for Cardiovascular phenotype. Last evaluated: 2024-06-28. Review status: criteria provided, single submitter. Criteria: Ambry Variant Classification Scheme 2023. Collection method: clinical testing. Allele origin: germline.
Comment: The p.Q384K variant (also known as c.1150C>A), located in coding exon 9 of the EFEMP2 gene, results from a C to A substitution at nucleotide position 1150. The glutamine at codon 384 is replaced by lysine, an amino acid with similar properties. This amino acid position is conserved. In addition, the in silico prediction for this alteration is inconclusive. Based on the available evidence, the clinical significance of this variant remains unclear.

NM_016938.5(EFEMP2):c.1150C>A (p.Gln384Lys)

Gene: EFEMP2 (EGF containing fibulin extracellular matrix protein 2; minus strand). Cytogenetic location: 11q13.1.
Variant type: single nucleotide variant.
Coding change: c.1150C>A on transcript NM_016938.5 (MANE Select); coding-DNA position 1150, C replaced by A.
Protein change: p.Gln384Lys; replaces glutamine 384 with lysine.
Molecular consequence: missense variant. On other transcripts: non-coding transcript variant (1).
Genome position (GRCh38, 1-based): chr11:65,867,881, G>T on the plus strand (C>A on the coding strand, the complement: EFEMP2 is on the minus strand). VCF-style: chr11-65867881-G-T. GRCh37 (hg19) VCF-style: chr11-65635352-G-T.
Other names: short protein forms Q384K.
Identifiers: ClinVar variation 3506966 (VCV003506966.1).